The following is an entry in ClinVar:

ClinVar aggregate classification (germline): Conflicting classifications of pathogenicity. Review status: criteria provided, conflicting classifications (1 of 4 stars). 4 submissions from 3 submitters: Uncertain significance (1); Benign (2); Likely benign (1). Last evaluated 2025-07-30.

Conditions:
Osteogenesis imperfecta type 8 (OI8). Identifiers: MedGen C1970458, MONDO:0012581, OMIM 610915.
Osteogenesis Imperfecta, Recessive.

Allele frequency attached by ClinVar (database versions not stated): gnomAD exomes 0.04338; 1000 Genomes Project 0.05511; 1000 Genomes Project 30x 0.05637; gnomAD 0.05848 and 0.06035; TOPMed 0.06338.
gnomAD v4.1: 56,934 of 1,253,560 alleles (4.5%); highest among the groups gnomAD compares: African/African-American, 11%; 1,611 homozygotes.

Submissions (4):

Genomic Medicine Center of Excellence, King Faisal Specialist Hospital and Research Centre
Classification: Likely benign for Osteogenesis imperfecta type 8. Last evaluated: 2025-07-30. Review status: criteria provided, single submitter. Criteria: ACMG Guidelines, 2015. Collection method: clinical testing. Allele origin: germline.

GeneDx
Classification: Benign. Last evaluated: 2018-06-17. Review status: criteria provided, single submitter. Criteria: GeneDx Variant Classification Process June 2021. Collection method: clinical testing. Allele origin: germline. Affected: yes.

Illumina Laboratory Services, Illumina
Classification: Benign for Osteogenesis imperfecta type 8. Last evaluated: 2018-01-13. Review status: criteria provided, single submitter. Criteria: ICSL Variant Classification Criteria 13 December 2019. Collection method: clinical testing. Allele origin: germline.
Comment: This variant was observed in the ICSL laboratory as part of a predisposition screen in an ostensibly healthy population. It had not been previously curated by ICSL or reported in the Human Gene Mutation Database (HGMD: prior to June 1st, 2018), and was therefore a candidate for classification through an automated scoring system. Utilizing variant allele frequency, disease prevalence and penetrance estimates, and inheritance mode, an automated score was calculated to assess if this variant is too frequent to cause the disease. Based on the score and internal cut-off values, a variant classified as benign is not then subjected to further curation. The score for this variant resulted in a classification of benign for this disease.

Illumina Laboratory Services, Illumina
Classification: Uncertain significance for Osteogenesis Imperfecta, Recessive. Last evaluated: 2017-04-27. Review status: criteria provided, single submitter. Criteria: ICSL Variant Classification Criteria 13 December 2019. Collection method: clinical testing. Allele origin: germline.

NM_022356.4(P3H1):c.*77C>T

Gene: P3H1 (prolyl 3-hydroxylase 1; minus strand). Cytogenetic location: 1p34.2.
Variant type: single nucleotide variant.
Coding change: c.*77C>T on transcript NM_022356.4 (MANE Select); 77 bases downstream of the stop codon, C replaced by T.
Molecular consequence: 3 prime UTR variant.
Genome position (GRCh38, 1-based): chr1:42,746,620, G>A on the plus strand (C>T on the coding strand, the complement: P3H1 is on the minus strand). VCF-style: chr1-42746620-G-A. GRCh37 (hg19) VCF-style: chr1-43212291-G-A.
Other names: c.*213C>T (NM_001146289.2); c.*292C>T (NM_001243246.2).
Identifiers: ClinVar variation 873600 (VCV000873600.7), dbSNP rs13871, ClinGen allele CA10669993.
Genomic context (GRCh38, chr1:42,746,620, plus strand): 5'-GGCTGTGAGCAGGGTCCCCTCGGCTGAGTGGCAGATGTAGGCTCACTGCTCTGCAGCCCC[G>A]AGGGGCTGGCCAGCTCAGAGTGCAGAAGAGTTCCTCTCCATGGGTCTAGTCACCCATCCG-3'